The following is an entry in ClinVar:

ClinVar aggregate classification (germline): Likely benign. Review status: criteria provided, multiple submitters, no conflicts (2 of 4 stars). 4 submissions from 4 submitters: Likely benign (3). 1 of the submissions does not count toward it. Last evaluated 2026-01-18.

Conditions:
PIEZO1-related disorder. Also called: PIEZO1-related condition; PIEZO1-Related Disorders.

Allele frequency attached by ClinVar (database versions not stated): gnomAD exomes 0.00030; ExAC 0.00073; gnomAD 0.00114 and 0.00125; TOPMed 0.00132; 1000 Genomes Project 0.00200; 1000 Genomes Project 30x 0.00203.
gnomAD v4.1: 355 of 1,535,668 alleles (0.023%); highest among the groups gnomAD compares: African/African-American, 0.43%; 1 homozygote.

Submissions (4):

Labcorp Genetics (formerly Invitae), Labcorp
Classification: Likely benign. Last evaluated: 2026-01-18. Review status: criteria provided, single submitter. Criteria: Invitae Variant Classification Sherloc (09022015). Collection method: clinical testing. Allele origin: germline.

Mayo Clinic Laboratories, Mayo Clinic
Classification: Likely benign. Last evaluated: 2025-09-18. Review status: criteria provided, single submitter. Criteria: ACMG Guidelines, 2015. Collection method: clinical testing. Allele origin: germline. Observed: 5 variant alleles.

Blueprint Genetics
Classification: Likely benign. Last evaluated: 2024-06-26. Review status: criteria provided, single submitter. Criteria: ACMG Guidelines, 2015. Collection method: clinical testing. Allele origin: germline.

PreventionGenetics, part of Exact Sciences
Classification: Likely benign for PIEZO1-related condition. Last evaluated: 2019-10-29. Review status: no assertion criteria provided. Collection method: clinical testing. Allele origin: germline. Not counted in ClinVar's aggregate classification.
Comment: This variant is classified as likely benign based on ACMG/AMP sequence variant interpretation guidelines (Richards et al. 2015 PMID: 25741868, with internal and published modifications).

NM_001142864.4(PIEZO1):c.429A>T (p.Ala143=)

Gene: PIEZO1 (piezo type mechanosensitive ion channel component 1 (Er blood group); minus strand). Cytogenetic location: 16q24.3.
Variant type: single nucleotide variant.
Coding change: c.429A>T on transcript NM_001142864.4 (MANE Select); coding-DNA position 429, A replaced by T.
Protein change: p.Ala143=; no amino-acid change (alanine 143 retained).
Molecular consequence: synonymous variant.
Genome position (GRCh38, 1-based): chr16:88,741,514, T>A on the plus strand (A>T on the coding strand, the complement: PIEZO1 is on the minus strand). VCF-style: chr16-88741514-T-A. GRCh37 (hg19) VCF-style: chr16-88807922-T-A.
Other names: p.Ala143=.
Identifiers: ClinVar variation 736803 (VCV000736803.10), dbSNP rs61729707, ClinGen allele CA8233278.